The following is an entry in ClinVar:

NM_004320.6(ATP2A1):c.2089A>G (p.Ile697Val)

Gene: ATP2A1 (ATPase sarcoplasmic/endoplasmic reticulum Ca2+ transporting 1; plus strand). Cytogenetic location: 16p11.2.
Variant type: single nucleotide variant.
Coding change: c.2089A>G on transcript NM_004320.6 (MANE Select); coding-DNA position 2089, A replaced by G.
Protein change: p.Ile697Val; replaces isoleucine 697 with valine.
Molecular consequence: missense variant.
Genome position (GRCh38, 1-based): chr16:28,900,905, A>G. VCF-style: chr16-28900905-A-G. GRCh37 (hg19) VCF-style: chr16-28912226-A-G.
Other names: c.1714A>G, p.Ile572Val (NM_001286075.2); c.2089A>G, p.Ile697Val (NM_173201.5); c.2089A>G (NM_173201.4); short protein forms I572V, I697V.
Identifiers: ClinVar variation 2101922 (VCV002101922.7), dbSNP rs2506348763, ClinGen allele CA395411577.

ClinVar aggregate classification (germline): Uncertain significance. Review status: criteria provided, multiple submitters, no conflicts (2 of 4 stars). 2 submissions from 2 submitters: Uncertain significance (2). Last evaluated 2022-04-19.

Conditions:
Brody myopathy. Also called: BRODY DISEASE. Identifiers: Orphanet 53347, MedGen C1832918, MONDO:0010977, OMIM 601003.

Submissions (2):

Revvity Omics, Revvity
Classification: Uncertain significance for Brody myopathy. Last evaluated: 2022-04-19. Review status: criteria provided, single submitter. Criteria: ACMG Guidelines, 2015. Collection method: clinical testing. Allele origin: germline.

Labcorp Genetics (formerly Invitae), Labcorp
Classification: Uncertain significance for Brody myopathy. Last evaluated: 2022-04-04. Review status: criteria provided, single submitter. Criteria: Invitae Variant Classification Sherloc (09022015). Collection method: clinical testing. Allele origin: germline.
Comment: This sequence change replaces isoleucine, which is neutral and non-polar, with valine, which is neutral and non-polar, at codon 697 of the ATP2A1 protein (p.Ile697Val). This variant is not present in population databases (gnomAD no frequency). This variant has not been reported in the literature in individuals affected with ATP2A1-related conditions. Algorithms developed to predict the effect of missense changes on protein structure and function are either unavailable or do not agree on the potential impact of this missense change (SIFT: "Deleterious"; PolyPhen-2: "Probably Damaging"; Align-GVGD: "Class C0"). In summary, the available evidence is currently insufficient to determine the role of this variant in disease. Therefore, it has been classified as a Variant of Uncertain Significance.